The following is an entry in ClinVar:

NM_000038.6(APC):c.8265T>G (p.Ser2755=)

Gene: APC (APC regulator of Wnt signaling pathway; plus strand). Cytogenetic location: 5q22.2.
Variant type: single nucleotide variant.
Coding change: c.8265T>G on transcript NM_000038.6 (MANE Select); coding-DNA position 8265, T replaced by G.
Protein change: p.Ser2755=; no amino-acid change (serine 2755 retained).
Molecular consequence: synonymous variant.
Genome position (GRCh38, 1-based): chr5:112,843,859, T>G. VCF-style: chr5-112843859-T-G. GRCh37 (hg19) VCF-style: chr5-112179556-T-G.
Other names: c.8265T>G, p.Ser2755= (NM_001127510.3, NM_001354895.2); c.8211T>G, p.Ser2737= (NM_001127511.3); c.8319T>G, p.Ser2773= (NM_001354896.2); c.8295T>G, p.Ser2765= (NM_001354897.2); c.8190T>G, p.Ser2730= (NM_001354898.2); c.8181T>G, p.Ser2727= (NM_001354899.2); c.8142T>G, p.Ser2714= (NM_001354900.2); c.8088T>G, p.Ser2696= (NM_001354901.2); and 5 more.
Identifiers: ClinVar variation 470124 (VCV000470124.18), dbSNP rs756633556, ClinGen allele CA050334.

ClinVar aggregate classification (germline): Benign/Likely benign. Review status: criteria provided, multiple submitters, no conflicts (2 of 4 stars). 6 submissions from 6 submitters: Benign (1); Likely benign (5). Last evaluated 2025-11-17.

Conditions:
Hereditary cancer-predisposing syndrome. Also called: Hereditary neoplastic syndrome; Neoplastic Syndromes, Hereditary; Tumor predisposition; Hereditary Cancer Syndrome. Identifiers: Orphanet 140162, MedGen C0027672, MeSH D009386, MONDO:0015356.
Familial adenomatous polyposis 1 (FAP1). Also called: POLYPOSIS, ADENOMATOUS INTESTINAL; FAMILIAL ADENOMATOUS POLYPOSIS 1, ATTENUATED. Identifiers: MedGen C2713442, MONDO:0021056, OMIM 175100. Disease mechanism: loss of function.
Classic or attenuated familial adenomatous polyposis. Identifiers: MedGen CN372698, MONDO:0021057.

Allele frequency attached by ClinVar (database versions not stated): gnomAD exomes below 0.00001; ExAC 0.00001.

Submissions (6):

Labcorp Genetics (formerly Invitae), Labcorp
Classification: Likely benign for Familial adenomatous polyposis 1. Last evaluated: 2025-11-17. Review status: criteria provided, single submitter. Criteria: Invitae Variant Classification Sherloc (09022015). Collection method: clinical testing. Allele origin: germline.

All of Us Research Program, National Institutes of Health
Classification: Likely benign for Classic or attenuated familial adenomatous polyposis. Last evaluated: 2024-04-16. Review status: criteria provided, single submitter. Criteria: ACMG Guidelines, 2015. Collection method: clinical testing. Allele origin: germline. Inheritance: Autosomal dominant inheritance. Observed: 1 variant allele, 1 heterozygote.
Comment: This study involves interpretation of variants in research participants for the purpose of population health screening. Participant phenotype was not available at the time of variant classification. Additional details can be found in publication PMID: 35346344, PMCID: PMC8962531

Myriad Genetics, Inc.
Classification: Benign for Familial adenomatous polyposis 1. Last evaluated: 2024-04-15. Review status: criteria provided, single submitter. Criteria: Myriad Autosomal Dominant, Autosomal Recessive and X-Linked Classification Criteria (2023). Collection method: clinical testing. Allele origin: unknown.
Comment: This variant is considered benign. This variant is a silent/synonymous amino acid change and it is not expected to impact splicing.

Color Diagnostics, LLC DBA Color Health
Classification: Likely benign for Hereditary cancer-predisposing syndrome. Last evaluated: 2019-12-04. Review status: criteria provided, single submitter. Criteria: ACMG Guidelines, 2015. Collection method: clinical testing. Allele origin: germline.

Ambry Genetics
Classification: Likely benign for Hereditary cancer-predisposing syndrome. Last evaluated: 2017-03-30. Review status: criteria provided, single submitter. Criteria: Ambry Variant Classification Scheme 2023. Collection method: clinical testing. Allele origin: germline.

GeneDx
Classification: Likely benign. Last evaluated: 2017-03-03. Review status: criteria provided, single submitter. Criteria: GeneDx Variant Classification (06012015). Collection method: clinical testing. Allele origin: germline. Affected: yes.
Comment: This variant is considered likely benign or benign based on one or more of the following criteria: it is a conservative change, it occurs at a poorly conserved position in the protein, it is predicted to be benign by multiple in silico algorithms, and/or has population frequency not consistent with disease.